The following is an entry in ClinVar:

NM_000516.7(GNAS):c.1144A>T (p.Ile382Phe)

Gene: GNAS (GNAS complex locus; plus strand). Cytogenetic location: 20q13.32.
Variant type: single nucleotide variant.
Coding change: c.1144A>T on transcript NM_000516.7 (MANE Select); coding-DNA position 1144, A replaced by T.
Protein change: p.Ile382Phe; replaces isoleucine 382 with phenylalanine.
Molecular consequence: missense variant. On other transcripts: 3 prime UTR variant (2).
Genome position (GRCh38, 1-based): chr20:58,910,788, A>T. VCF-style: chr20-58910788-A-T. GRCh37 (hg19) VCF-style: chr20-57485843-A-T.
Other names: c.1147A>T, p.Ile383Phe (NM_001077488.5); c.1099A>T, p.Ile367Phe (NM_001077489.4); c.*1005A>T (NM_001077490.3); c.967A>T, p.Ile323Phe (NM_001309840.2, NM_001309861.2); c.1048A>T, p.Ile350Phe (NM_001410912.1); c.3028A>T, p.Ile1010Phe (NM_001410913.1); c.*1050A>T (NM_016592.5); c.3073A>T, p.Ile1025Phe (NM_080425.4); and 1 more; short protein forms I350F, I368F, I383F, I1010F, I367F, I1025F, I382F, I323F.
Identifiers: ClinVar variation 2769930 (VCV002769930.3), dbSNP rs2517297329, ClinGen allele CA409453920.

ClinVar aggregate classification (germline): Uncertain significance (1 of 4 stars; one submission).

Submission:

Labcorp Genetics (formerly Invitae), Labcorp
Classification: Uncertain significance. Last evaluated: 2024-12-16. Review status: criteria provided, single submitter. Criteria: Invitae Variant Classification Sherloc (09022015). Collection method: clinical testing. Allele origin: germline.
Comment: This sequence change replaces isoleucine, which is neutral and non-polar, with phenylalanine, which is neutral and non-polar, at codon 382 of the GNAS protein (p.Ile382Phe). This variant is not present in population databases (gnomAD no frequency). This variant has not been reported in the literature in individuals affected with GNAS-related conditions. ClinVar contains an entry for this variant (Variation ID: 2769930). Invitae Evidence Modeling of protein sequence and biophysical properties (such as structural, functional, and spatial information, amino acid conservation, physicochemical variation, residue mobility, and thermodynamic stability) indicates that this missense variant is expected to disrupt GNAS protein function with a positive predictive value of 80%. In summary, the available evidence is currently insufficient to determine the role of this variant in disease. Therefore, it has been classified as a Variant of Uncertain Significance.